The following is an entry in ClinVar:

NM_015425.6(POLR1A):c.1496A>G (p.Asn499Ser)

Gene: POLR1A (RNA polymerase I subunit A; minus strand). Cytogenetic location: 2p11.2.
Variant type: single nucleotide variant.
Coding change: c.1496A>G on transcript NM_015425.6 (MANE Select); coding-DNA position 1496, A replaced by G.
Protein change: p.Asn499Ser; replaces asparagine 499 with serine.
Molecular consequence: missense variant.
Genome position (GRCh38, 1-based): chr2:86,075,145, T>C on the plus strand (A>G on the coding strand, the complement: POLR1A is on the minus strand). VCF-style: chr2-86075145-T-C. GRCh37 (hg19) VCF-style: chr2-86302268-T-C.
Other names: c.1496A>G (NM_015425.3); short protein forms N499S.
Identifiers: ClinVar variation 2071547 (VCV002071547.5), dbSNP rs755038742, ClinGen allele CA1746327.
Genomic context (GRCh38, chr2:86,075,145, plus strand): 5'-GCCACGGCCTCTCGCTGGGTCATGTCCACAGCGCTCAGGGCTGTGCGGCTGCCGTCCTCA[T>C]TGATGACCATGGAGGCTCCTGGGTGCACATTAGGGCCGTTGATGACCGCTTGCCTAAGTT-3'
Protein context (NP_056240.2, residues 489-509): NVHPGASMVI[Asn499Ser]EDGSRTALSA

ClinVar aggregate classification (germline): Uncertain significance. Review status: criteria provided, multiple submitters, no conflicts (2 of 4 stars). 2 submissions from 2 submitters: Uncertain significance (2). Last evaluated 2025-10-22.

Conditions:
Inborn genetic diseases. Identifiers: MedGen C0950123, MeSH D030342.

Allele frequency attached by ClinVar (database versions not stated): TOPMed 0.00002; ExAC 0.00003; gnomAD exomes 0.00001; gnomAD 0.00001.
gnomAD v4.1: 20 of 1,613,674 alleles (0.0012%); highest among the groups gnomAD compares: Middle Eastern, 0.033%; no homozygotes.

Submissions (2):

Ambry Genetics
Classification: Uncertain significance for Inborn genetic diseases. Last evaluated: 2025-10-22. Review status: criteria provided, single submitter. Criteria: Ambry Variant Classification Scheme 2023. Collection method: clinical testing. Allele origin: germline.

Labcorp Genetics (formerly Invitae), Labcorp
Classification: Uncertain significance. Last evaluated: 2023-04-26. Review status: criteria provided, single submitter. Criteria: Invitae Variant Classification Sherloc (09022015). Collection method: clinical testing. Allele origin: germline.
Comment: This sequence change replaces asparagine, which is neutral and polar, with serine, which is neutral and polar, at codon 499 of the POLR1A protein (p.Asn499Ser). The frequency data for this variant in the population databases is considered unreliable, as metrics indicate poor data quality at this position in the gnomAD database. This variant has not been reported in the literature in individuals affected with POLR1A-related conditions. ClinVar contains an entry for this variant (Variation ID: 2071547). Advanced modeling of protein sequence and biophysical properties (such as structural, functional, and spatial information, amino acid conservation, physicochemical variation, residue mobility, and thermodynamic stability) performed at Invitae indicates that this missense variant is not expected to disrupt POLR1A protein function. In summary, the available evidence is currently insufficient to determine the role of this variant in disease. Therefore, it has been classified as a Variant of Uncertain Significance.